The following is an entry in ClinVar:

ClinVar aggregate classification (germline): Uncertain significance. Review status: criteria provided, multiple submitters, no conflicts (2 of 4 stars). 2 submissions from 2 submitters: Uncertain significance (2). Last evaluated 2023-02-01.

Conditions:
Cryptosporidiosis-chronic cholangitis-liver disease syndrome. Also called: IL21R immunodeficiency; Immunodeficiency type 56. Identifiers: Orphanet 357329, MedGen C3554687, MONDO:0014082, OMIM 615207.

gnomAD v4.1: 3 of 1,613,546 alleles (0.00019%); highest among the groups gnomAD compares: Middle Eastern, 0.016%; no homozygotes.

Submissions (2):

CeGaT Center for Human Genetics Tuebingen
Classification: Uncertain significance. Last evaluated: 2023-02-01. Review status: criteria provided, single submitter. Criteria: CeGaT Center For Human Genetics Tuebingen Variant Classification Criteria Version 2. Collection method: clinical testing. Allele origin: germline. Affected: yes. Observed: 1 variant allele.
Comment: IL21R: PM2, BP4

Labcorp Genetics (formerly Invitae), Labcorp
Classification: Uncertain significance for Cryptosporidiosis-chronic cholangitis-liver disease syndrome. Last evaluated: 2022-06-19. Review status: criteria provided, single submitter. Criteria: Invitae Variant Classification Sherloc (09022015). Collection method: clinical testing. Allele origin: germline.
Comment: In summary, the available evidence is currently insufficient to determine the role of this variant in disease. Therefore, it has been classified as a Variant of Uncertain Significance. Algorithms developed to predict the effect of missense changes on protein structure and function (SIFT, PolyPhen-2, Align-GVGD) all suggest that this variant is likely to be tolerated. This variant has not been reported in the literature in individuals affected with IL21R-related conditions. This variant is not present in population databases (gnomAD no frequency). This sequence change replaces glycine, which is neutral and non-polar, with arginine, which is basic and polar, at codon 359 of the IL21R protein (p.Gly359Arg).

NM_181078.3(IL21R):c.1075G>A (p.Gly359Arg)

Genes: IL21R (interleukin 21 receptor; plus strand), IL21R-AS1 (IL21R antisense RNA 1; minus strand). Cytogenetic location: 16p12.1.
Variant type: single nucleotide variant.
Coding change: c.1075G>A on transcript NM_181078.3 (MANE Select); coding-DNA position 1075, G replaced by A.
Protein change: p.Gly359Arg; replaces glycine 359 with arginine.
Molecular consequence: missense variant. On other transcripts: non-coding transcript variant (1).
Genome position (GRCh38, 1-based): chr16:27,448,741, G>A. VCF-style: chr16-27448741-G-A. GRCh37 (hg19) VCF-style: chr16-27460062-G-A.
Other names: c.1075G>A, p.Gly359Arg (NM_021798.4); c.1141G>A, p.Gly381Arg (NM_181079.5); short protein forms G381R, G359R.
Identifiers: ClinVar variation 1911668 (VCV001911668.29), dbSNP rs2087531969, ClinGen allele CA395307139.
Genomic context (GRCh38, chr16:27,448,741, plus strand): 5'-GAGCTGGTGGAGTCTGACGGTGTGCCCAAGCCCAGCTTCTGGCCGACAGCCCAGAACTCG[G>A]GGGGCTCAGCTTACAGTGAGGAGAGGGATCGGCCATACGGCCTGGTGTCCATTGACACAG-3'
Protein context (NP_851564.1, residues 349-369): PSFWPTAQNS[Gly359Arg]GSAYSEERDR